The following is an entry in ClinVar:

ClinVar aggregate classification (germline): Uncertain significance (1 of 4 stars; one submission).

Allele frequency attached by ClinVar (database versions not stated): gnomAD 0.00001.
gnomAD v4.1: 1 of 1,613,400 alleles (0.000062%); highest among the groups gnomAD compares: African/African-American, 0.0013%; no homozygotes.

Submission:

Labcorp Genetics (formerly Invitae), Labcorp
Classification: Uncertain significance. Last evaluated: 2022-07-06. Review status: criteria provided, single submitter. Criteria: Invitae Variant Classification Sherloc (09022015). Collection method: clinical testing. Allele origin: germline.
Comment: ClinVar contains an entry for this variant (Variation ID: 1510766). In summary, the available evidence is currently insufficient to determine the role of this variant in disease. Therefore, it has been classified as a Variant of Uncertain Significance. Algorithms developed to predict the effect of sequence changes on RNA splicing suggest that this variant may create or strengthen a splice site. Algorithms developed to predict the effect of missense changes on protein structure and function are either unavailable or do not agree on the potential impact of this missense change (SIFT: "Deleterious"; PolyPhen-2: "Benign"; Align-GVGD: "Class C65"). This variant has not been reported in the literature in individuals affected with NEK2-related conditions. This variant is present in population databases (no rsID available, gnomAD 0.02%). This sequence change replaces aspartic acid, which is acidic and polar, with valine, which is neutral and non-polar, at codon 256 of the NEK2 protein (p.Asp256Val).

NM_002497.4(NEK2):c.767A>T (p.Asp256Val)

Gene: NEK2 (NIMA related kinase 2; minus strand). Cytogenetic location: 1q32.3.
Variant type: single nucleotide variant.
Coding change: c.767A>T on transcript NM_002497.4 (MANE Select); coding-DNA position 767, A replaced by T.
Protein change: p.Asp256Val; replaces aspartic acid 256 with valine.
Molecular consequence: missense variant.
Genome position (GRCh38, 1-based): chr1:211,669,331, T>A on the plus strand (A>T on the coding strand, the complement: NEK2 is on the minus strand). VCF-style: chr1-211669331-T-A. GRCh37 (hg19) VCF-style: chr1-211842673-T-A.
Other names: c.767A>T, p.Asp256Val (NM_001204182.2, NM_001204183.2); short protein forms D256V.
Identifiers: ClinVar variation 1510766 (VCV001510766.6), dbSNP rs978868629, ClinGen allele CA344779461.
Genomic context (GRCh38, chr1:211,669,331, plus strand): 5'-GCAACCAAATCTGCTATTAAAGGGTTCTCAAGAATTTCTTCAACAGAAGGTCGATGGTAA[T>A]CCTGGGGAAAAAATACTCAGTATTATAGTCAGATTGCATAACAGAATAGTCCTCCTAAGA-3'
Protein context (NP_002488.1, residues 246-266): EIITRMLNLK[Asp256Val]YHRPSVEEIL